The following is an entry in ClinVar:

NM_001267550.2(TTN):c.82981C>T (p.Pro27661Ser)

Genes: TTN (titin; minus strand), TTN-AS1 (TTN antisense RNA 1; plus strand). Cytogenetic location: 2q31.2.
Variant type: single nucleotide variant.
Coding change: c.82981C>T on transcript NM_001267550.2 (MANE Select); coding-DNA position 82981, C replaced by T.
Protein change: p.Pro27661Ser; replaces proline 27661 with serine.
Molecular consequence: missense variant.
Genome position (GRCh38, 1-based): chr2:178,563,151, G>A on the plus strand (C>T on the coding strand, the complement: TTN is on the minus strand). VCF-style: chr2-178563151-G-A. GRCh37 (hg19) VCF-style: chr2-179427878-G-A.
Other names: c.78058C>T, p.Pro26020Ser (NM_001256850.1); c.55786C>T, p.Pro18596Ser (NM_003319.4); c.75277C>T, p.Pro25093Ser (NM_133378.4); c.56161C>T, p.Pro18721Ser (NM_133432.3); c.56362C>T, p.Pro18788Ser (NM_133437.4); short protein forms P27661S, P25093S, P26020S, P18596S, P18721S, P18788S.
Identifiers: ClinVar variation 284294 (VCV000284294.24), dbSNP rs201422612, ClinGen allele CA1988990.
Genomic context (GRCh38, chr2:178,563,151, plus strand): 5'-GATCAGCATCGAGTTCTATTTCTGGTGGCTCTATCCTCTCCTGAGCAACCACTGAGCCAG[G>A]TAGAGTTGCAGGTTCACCTACACCTTCAGAATTGATGGCACAAATACGGAAGTTATATTC-3'
Protein context (NP_001254479.2, residues 27651-27671): SEGVGEPATL[Pro27661Ser]GSVVAQERIE

ClinVar aggregate classification (germline): Conflicting classifications of pathogenicity. Review status: criteria provided, conflicting classifications (1 of 4 stars). 13 submissions from 9 submitters: Uncertain significance (10); Likely benign (3). Last evaluated 2026-03-23.

Conditions:
Early-onset myopathy with fatal cardiomyopathy (CMYO5). Also called: Salih Myopathy; CONGENITAL MYOPATHY 5 WITH CARDIOMYOPATHY. Identifiers: Orphanet 289377, MedGen C2673677, MONDO:0012714, OMIM 611705. Disease mechanism: loss of function.
Cardiovascular phenotype. Identifiers: MedGen CN230736.
Myopathy, myofibrillar, 9, with early respiratory failure (MFM9). Also called: Hereditary myopathy with early respiratory failure; MYOPATHY, PROXIMAL, WITH EARLY RESPIRATORY MUSCLE INVOLVEMENT; EDSTROM MYOPATHY; Myopathy, distal, with early respiratory failure, autosomal dominant. Identifiers: Orphanet 178464, Orphanet 34521, MedGen C1863599, MONDO:0011362, OMIM 603689.
Autosomal recessive limb-girdle muscular dystrophy type 2J (LGMDR10). Also called: Limb-girdle muscular dystrophy, type 2J; MUSCULAR DYSTROPHY, LIMB-GIRDLE, AUTOSOMAL RECESSIVE 10. Identifiers: Orphanet 140922, MedGen C1837342, MONDO:0012127, OMIM 608807.
TTN-related disorder. Also called: TTN-related condition; TTN-related disease; TTN-related disorders.
Dilated cardiomyopathy 1G (CMD1G). Identifiers: Orphanet 154, MedGen C1858763, MONDO:0011400, OMIM 604145.
Tibial muscular dystrophy (TMD). Also called: UDD MYOPATHY; Tibial muscular dystrophy, tardive; Udd Distal Myopathy – Tibial Muscular Dystrophy. Identifiers: Orphanet 609, MedGen C1838244, MONDO:0010870, OMIM 600334.
Primary dilated cardiomyopathy (DCM). Also called: Dilated Cardiomyopathy. Identifiers: Orphanet 217604, MedGen C0007193, MeSH D002311, MONDO:0005021, HP:0001644. Inheritance: Various modes of inheritance.

Allele frequency attached by ClinVar (database versions not stated): ExAC 0.00003; gnomAD exomes 0.00006 and 0.00007; gnomAD 0.00012 and 0.00013; TOPMed 0.00022; ESP Exome Variant Server 0.00049.
gnomAD v4.1: 120 of 1,613,606 alleles (0.0074%); highest among the groups gnomAD compares: African/African-American, 0.043%; no homozygotes.

Submissions (13):

PreventionGenetics, part of Exact Sciences
Classification: Uncertain significance for TTN-related condition. Last evaluated: 2026-03-23. Review status: criteria provided, single submitter. Criteria: ACMG Guidelines, 2015. Collection method: clinical testing. Allele origin: germline.
Comment: The TTN c.82981C>T variant is predicted to result in the amino acid substitution p.Pro27661Ser. To our knowledge, this variant has not been reported in the literature. This variant is reported in 0.050% of alleles in individuals of African descent in gnomAD. At this time, the clinical significance of this variant is uncertain due to the absence of conclusive functional and genetic evidence.

GeneDx
Classification: Likely benign. Last evaluated: 2021-03-15. Review status: criteria provided, single submitter. Criteria: GeneDx Variant Classification Process June 2021. Collection method: clinical testing. Allele origin: germline. Affected: yes.

Revvity Omics, Revvity
Classification: Uncertain significance. Last evaluated: 2020-12-06. Review status: criteria provided, single submitter. Criteria: ACMG Guidelines, 2015. Collection method: clinical testing. Allele origin: germline.

Cambridge Genomics Laboratory, East Genomic Laboratory Hub, NHS Genomic Medicine Service
Classification: Uncertain significance for Primary dilated cardiomyopathy. Last evaluated: 2020-02-11. Review status: criteria provided, single submitter. Criteria: ACGS Best Practice Guidelines for Variant Classification in Rare Disease 2020. Collection method: clinical testing. Allele origin: germline. Affected: yes. Observed: 1 variant allele.

Mayo Clinic Laboratories, Mayo Clinic
Classification: Uncertain significance. Last evaluated: 2019-05-26. Review status: criteria provided, single submitter. Criteria: ACMG Guidelines, 2015. Collection method: clinical testing. Allele origin: germline. Observed: 1 variant allele.

Ambry Genetics
Classification: Uncertain significance for Cardiovascular phenotype. Last evaluated: 2018-12-28. Review status: criteria provided, single submitter. Criteria: Ambry Variant Classification Scheme 2023. Collection method: clinical testing. Allele origin: germline.
Comment: The p.P18596S variant (also known as c.55786C>T), located in coding exon 153 of the TTN gene, results from a C to T substitution at nucleotide position 55786. The proline at codon 18596 is replaced by serine, an amino acid with similar properties. This amino acid position is well conserved in available vertebrate species; however, serine is the reference amino acid in other vertebrate species. In addition, this alteration is predicted to be tolerated by in silico analysis. Since supporting evidence is limited at this time, the clinical significance of this alteration remains unclear.

Illumina Laboratory Services, Illumina
Classification: Likely benign for Tibial muscular dystrophy. Last evaluated: 2018-01-12. Review status: criteria provided, single submitter. Criteria: ICSL Variant Classification Criteria 13 December 2019. Collection method: clinical testing. Allele origin: germline.
Comment: This variant was observed in the ICSL laboratory as part of a predisposition screen in an ostensibly healthy population. It had not been previously curated by ICSL or reported in the Human Gene Mutation Database (HGMD: prior to June 1st, 2018), and was therefore a candidate for classification through an automated scoring system. Utilizing variant allele frequency, disease prevalence and penetrance estimates, and inheritance mode, an automated score was calculated to assess if this variant is too frequent to cause the disease. Based on the score and internal cut-off values, a variant classified as likely benign is not then subjected to further curation. The score for this variant resulted in a classification of likely benign for this disease.

Illumina Laboratory Services, Illumina
Classification: Uncertain significance for Early-onset myopathy with fatal cardiomyopathy. Last evaluated: 2018-01-12. Review status: criteria provided, single submitter. Criteria: ICSL Variant Classification Criteria 13 December 2019. Collection method: clinical testing. Allele origin: germline.

Illumina Laboratory Services, Illumina
Classification: Uncertain significance for Autosomal recessive limb-girdle muscular dystrophy type 2J. Last evaluated: 2018-01-12. Review status: criteria provided, single submitter. Criteria: ICSL Variant Classification Criteria 13 December 2019. Collection method: clinical testing. Allele origin: germline.

Illumina Laboratory Services, Illumina
Classification: Uncertain significance for Dilated cardiomyopathy 1G. Last evaluated: 2018-01-12. Review status: criteria provided, single submitter. Criteria: ICSL Variant Classification Criteria 13 December 2019. Collection method: clinical testing. Allele origin: germline.

Illumina Laboratory Services, Illumina
Classification: Likely benign for Myopathy, myofibrillar, 9, with early respiratory failure. Last evaluated: 2018-01-12. Review status: criteria provided, single submitter. Criteria: ICSL Variant Classification Criteria 13 December 2019. Collection method: clinical testing. Allele origin: germline.
Comment: the same text as in the submission from Illumina Laboratory Services, Illumina above.

Labcorp Genetics (formerly Invitae), Labcorp
Classification: Uncertain significance for Dilated cardiomyopathy 1G; Autosomal recessive limb-girdle muscular dystrophy type 2J. Last evaluated: 2017-10-25. Review status: criteria provided, single submitter. Criteria: Invitae Variant Classification Sherloc (09022015). Collection method: clinical testing. Allele origin: germline.

Eurofins Ntd Llc (ga)
Classification: Uncertain significance. Last evaluated: 2015-11-23. Review status: criteria provided, single submitter. Criteria: EGL Classification Definitions 2015. Collection method: clinical testing. Allele origin: germline. Observed: 1 variant allele, 1 heterozygote.